The following is an entry in ClinVar:

ClinVar aggregate classification (germline): Uncertain significance. Review status: criteria provided, multiple submitters, no conflicts (2 of 4 stars). 2 submissions from 2 submitters: Uncertain significance (2). Last evaluated 2025-11-11.

Conditions:
Inborn genetic diseases. Identifiers: MedGen C0950123, MeSH D030342.

gnomAD v4.1: 11 of 1,614,044 alleles (0.00068%); highest among the groups gnomAD compares: Admixed American, 0.017%; no homozygotes.

Submissions (2):

Ambry Genetics
Classification: Uncertain significance for Inborn genetic diseases. Last evaluated: 2025-11-11. Review status: criteria provided, single submitter. Criteria: Ambry Variant Classification Scheme 2023. Collection method: clinical testing. Allele origin: germline.

Labcorp Genetics (formerly Invitae), Labcorp
Classification: Uncertain significance. Last evaluated: 2025-06-01. Review status: criteria provided, single submitter. Criteria: Invitae Variant Classification Sherloc (09022015). Collection method: clinical testing. Allele origin: germline.
Comment: This sequence change replaces phenylalanine, which is neutral and non-polar, with tyrosine, which is neutral and polar, at codon 411 of the PRPF8 protein (p.Phe411Tyr). This variant is present in population databases (rs745761796, gnomAD 0.02%). This variant has not been reported in the literature in individuals affected with PRPF8-related conditions. Invitae Evidence Modeling of protein sequence and biophysical properties (such as structural, functional, and spatial information, amino acid conservation, physicochemical variation, residue mobility, and thermodynamic stability) indicates that this missense variant is not expected to disrupt PRPF8 protein function with a negative predictive value of 80%. In summary, the available evidence is currently insufficient to determine the role of this variant in disease. Therefore, it has been classified as a Variant of Uncertain Significance.

NM_006445.4(PRPF8):c.1232T>A (p.Phe411Tyr)

Gene: PRPF8 (pre-mRNA processing factor 8; minus strand). Cytogenetic location: 17p13.3.
Variant type: single nucleotide variant.
Coding change: c.1232T>A on transcript NM_006445.4 (MANE Select); coding-DNA position 1232, T replaced by A.
Protein change: p.Phe411Tyr; replaces phenylalanine 411 with tyrosine.
Molecular consequence: missense variant.
Genome position (GRCh38, 1-based): chr17:1,679,666, A>T on the plus strand (T>A on the coding strand, the complement: PRPF8 is on the minus strand). VCF-style: chr17-1679666-A-T. GRCh37 (hg19) VCF-style: chr17-1582960-A-T.
Other names: short protein forms F411Y.
Identifiers: ClinVar variation 4628473 (VCV004628473.2).